The following is an entry in ClinVar:

ClinVar aggregate classification (germline): Uncertain significance. Review status: criteria provided, multiple submitters, no conflicts (2 of 4 stars). 2 submissions from 2 submitters: Uncertain significance (2). Last evaluated 2022-09-02.

Submissions (2):

Blueprint Genetics
Classification: Uncertain significance. Last evaluated: 2022-09-02. Review status: criteria provided, single submitter. Criteria: ACMG Guidelines, 2015. Collection method: clinical testing. Allele origin: germline.

Labcorp Genetics (formerly Invitae), Labcorp
Classification: Uncertain significance. Last evaluated: 2022-08-19. Review status: criteria provided, single submitter. Criteria: Invitae Variant Classification Sherloc (09022015). Collection method: clinical testing. Allele origin: germline.
Comment: This variant, c.378_386dup, results in the insertion of 3 amino acid(s) of the TULP1 protein (p.Asp127_Glu129dup), but otherwise preserves the integrity of the reading frame. The frequency data for this variant in the population databases is considered unreliable, as metrics indicate poor data quality at this position in the gnomAD database. This variant has not been reported in the literature in individuals affected with TULP1-related conditions. Experimental studies and prediction algorithms are not available or were not evaluated, and the functional significance of this variant is currently unknown. In summary, the available evidence is currently insufficient to determine the role of this variant in disease. Therefore, it has been classified as a Variant of Uncertain Significance.

NM_003322.6(TULP1):c.369GGACGAGGA[3] (p.124DEE[3])

Gene: TULP1 (TUB like protein 1; minus strand). Cytogenetic location: 6p21.31.
Variant type: Microsatellite.
Coding change: c.369GGACGAGGA[3] on transcript NM_003322.6 (MANE Select); three copies in a row of the 9-base unit GGACGAGGA starting at c.369; the reference has two copies in a row; one copy, 9 bases duplicated.
Protein change: p.124DEE[3].
Molecular consequence: inframe insertion.
Genome position (GRCh38, 1-based): chr6:35,510,974-35,510,982, TCCTCGTCC duplicated on the plus strand (GGACGAGGA on the coding strand, the reverse complement: TULP1 is on the minus strand); duplicating any 9 consecutive bases within chr6:35,510,974-35,510,996 gives the same sequence; the position shown is the placement nearest the transcript's 3' end. VCF-style (leftmost placement, unchanged base first): chr6-35510973-T-TTCCTCGTCC. GRCh37 (hg19) VCF-style: chr6-35478750-T-TTCCTCGTCC.
Other names: c.210GGACGAGGA[3], p.71DEE[3] (NM_001289395.2).
Identifiers: ClinVar variation 1396005 (VCV001396005.4), dbSNP rs758969883, ClinGen allele CA3772930.